The following is an entry in ClinVar:

NM_000179.3(MSH6):c.1078A>G (p.Ser360Gly)

Gene: MSH6 (mutS homolog 6; plus strand). Cytogenetic location: 2p16.3.
Variant type: single nucleotide variant.
Coding change: c.1078A>G on transcript NM_000179.3 (MANE Select); coding-DNA position 1078, A replaced by G.
Protein change: p.Ser360Gly; replaces serine 360 with glycine.
Molecular consequence: missense variant.
Genome position (GRCh38, 1-based): chr2:47,799,061, A>G. VCF-style: chr2-47799061-A-G. GRCh37 (hg19) VCF-style: chr2-48026200-A-G.
Other names: c.688A>G, p.Ser230Gly (NM_001281492.2); c.172A>G, p.Ser58Gly (NM_001281493.2, NM_001281494.2); short protein forms S360G, S58G, S230G.
Identifiers: ClinVar variation 419950 (VCV000419950.29), dbSNP rs145994565, ClinGen allele CA067126.

ClinVar aggregate classification (germline): Conflicting classifications of pathogenicity. Review status: criteria provided, conflicting classifications (1 of 4 stars). 9 submissions from 9 submitters: Uncertain significance (6); Likely benign (3). Last evaluated 2026-01-07.

Conditions:
Hereditary nonpolyposis colorectal neoplasms. Identifiers: MedGen C0009405, MeSH D003123.
MSH6-related disorder. Also called: MSH6-Related disorders; MSH6-related condition.
Mismatch repair cancer syndrome 3. Identifiers: MedGen C5436807, MONDO:0030841, OMIM 619097.
Lynch syndrome 5 (LYNCH5). Also called: Hereditary non-polyposis colorectal cancer, type 5; Colorectal cancer, hereditary nonpolyposis, type 5. Identifiers: Orphanet 144, MedGen C1833477, MONDO:0013710, OMIM 614350. Disease mechanism: loss of function.
Endometrial carcinoma. Also called: Endometrial carcinoma, somatic. Identifiers: MedGen C0476089, MONDO:0002447, OMIM 608089, HP:0012114.
Hereditary cancer-predisposing syndrome. Also called: Hereditary Cancer Syndrome; Tumor predisposition; Hereditary neoplastic syndrome; Neoplastic Syndromes, Hereditary. Identifiers: Orphanet 140162, MedGen C0027672, MeSH D009386, MONDO:0015356.
Lynch syndrome. Identifiers: Orphanet 144, MedGen C4552100, MONDO:0005835. Disease mechanism: loss of function.

Allele frequency attached by ClinVar (database versions not stated): gnomAD 0.00001; TOPMed 0.00001; ExAC 0.00002; gnomAD exomes 0.00002; ESP Exome Variant Server 0.00008.
gnomAD v4.1: 32 of 1,614,088 alleles (0.002%); highest among the groups gnomAD compares: Admixed American, 0.0033%; no homozygotes.

Submissions (9):

PreventionGenetics, part of Exact Sciences
Classification: Likely benign for MSH6-related condition. Last evaluated: 2026-01-07. Review status: criteria provided, single submitter. Criteria: ACMG Guidelines, 2015. Collection method: clinical testing. Allele origin: germline.
Comment: This variant is classified as likely benign based on ACMG/AMP sequence variant interpretation guidelines (Richards et al. 2015 PMID: 25741868, with internal and published modifications).

Labcorp Genetics (formerly Invitae), Labcorp
Classification: Likely benign for Hereditary nonpolyposis colorectal neoplasms. Last evaluated: 2026-01-06. Review status: criteria provided, single submitter. Criteria: Invitae Variant Classification Sherloc (09022015). Collection method: clinical testing. Allele origin: germline.

All of Us Research Program, National Institutes of Health
Classification: Uncertain significance for Lynch syndrome. Last evaluated: 2024-08-06. Review status: criteria provided, single submitter. Criteria: ACMG Guidelines, 2015. Collection method: clinical testing. Allele origin: germline. Inheritance: Autosomal dominant inheritance. Observed: 10 variant alleles, 10 heterozygotes.
Comment: This missense variant replaces serine with glycine at codon 360 of the MSH6 protein. Computational prediction suggests that this variant may not impact protein structure and function (internally defined REVEL score threshold <= 0.5, PMID: 27666373). Splice site prediction tools suggest that this variant may not impact RNA splicing. To our knowledge, functional studies have not been performed for this variant. This variant has been reported in an individual affected with thyroid cancer (PMID: 29684080). This variant has been identified in 4/251160 chromosomes in the general population by the Genome Aggregation Database (gnomAD). The available evidence is insufficient to determine the role of this variant in disease conclusively. Therefore, this variant is classified as a Variant of Uncertain Significance.

This study involves interpretation of variants in research participants for the purpose of population health screening. Participant phenotype was not available at the time of variant classification. Additional details can be found in publication PMID: 35346344, PMCID: PMC8962531

Department of Pathology and Laboratory Medicine, Sinai Health System
Classification: Uncertain significance for Endometrial carcinoma; Lynch syndrome 5; Mismatch repair cancer syndrome 3. Last evaluated: 2024-07-08. Review status: criteria provided, single submitter. Criteria: ACMG Guidelines, 2015. Collection method: clinical testing. Allele origin: germline.

Color Diagnostics, LLC DBA Color Health
Classification: Uncertain significance for Hereditary cancer-predisposing syndrome. Last evaluated: 2024-04-15. Review status: criteria provided, single submitter. Criteria: ACMG Guidelines, 2015. Collection method: clinical testing. Allele origin: germline.
Comment: This missense variant replaces serine with glycine at codon 360 of the MSH6 protein. Computational prediction suggests that this variant may not impact protein structure and function (internally defined REVEL score threshold <= 0.5, PMID: 27666373). To our knowledge, functional studies have not been performed for this variant. This variant has been reported in an individual affected with thyroid cancer (PMID: 29684080). This variant has been identified in 4/251160 chromosomes in the general population by the Genome Aggregation Database (gnomAD). The available evidence is insufficient to determine the role of this variant in disease conclusively. Therefore, this variant is classified as a Variant of Uncertain Significance.

GeneDx
Classification: Uncertain significance. Last evaluated: 2023-06-06. Review status: criteria provided, single submitter. Criteria: GeneDx Variant Classification Process June 2021. Collection method: clinical testing. Allele origin: germline. Affected: yes.
Comment: Observed in an individual with thyroid cancer (Yehia et al., 2018); In silico analysis supports that this missense variant does not alter protein structure/function; Not observed at significant frequency in large population cohorts (gnomAD); This variant is associated with the following publications: (PMID: 23621914, 21437237, 29684080, 30267214)

Ambry Genetics
Classification: Likely benign for Hereditary cancer-predisposing syndrome. Last evaluated: 2023-05-05. Review status: criteria provided, single submitter. Criteria: Ambry Variant Classification Scheme 2023. Collection method: clinical testing. Allele origin: germline.

Quest Diagnostics Nichols Institute San Juan Capistrano
Classification: Uncertain significance. Last evaluated: 2022-12-23. Review status: criteria provided, single submitter. Criteria: Quest Diagnostics criteria. Collection method: clinical testing. Allele origin: unknown.
Comment: The frequency of this variant in the general population, 0.000016 (4/251160 chromosomes), is uninformative in assessment of its pathogenicity. In the published literature, the variant has been reported in one or more individual(s) with thyroid cancer (PMID: 29684080 (2018)) and breast cancer (PMID: 33471991 (2021); LOVD3 Shared). Analysis of this variant using bioinformatics tools for the prediction of the effect of amino acid changes on protein structure and function yielded predictions that this variant is benign. Based on the available information, we are unable to determine the clinical significance of this variant.

Blueprint Genetics
Classification: Uncertain significance. Last evaluated: 2021-11-30. Review status: criteria provided, single submitter. Criteria: ACMG Guidelines, 2015. Collection method: clinical testing. Allele origin: germline.

Literature cited by the submitters: PubMed 29684080 (cited by 5 submitters); PubMed 33471991 (cited by Department of Pathology and Laboratory Medicine, Sinai Health System and Quest Diagnostics Nichols Institute San Juan Capistrano); PubMed 30267214 (cited by Ambry Genetics and Quest Diagnostics Nichols Institute San Juan Capistrano); PubMed 23621914 (cited by Quest Diagnostics Nichols Institute San Juan Capistrano).